The following is an entry in ClinVar:

NM_000302.4(PLOD1):c.1261dup (p.Ala421fs)

Gene: PLOD1 (procollagen-lysine,2-oxoglutarate 5-dioxygenase 1; plus strand). Cytogenetic location: 1p36.22.
Variant type: Duplication.
Coding change: c.1261dup on transcript NM_000302.4 (MANE Select); coding-DNA position 1261, one base duplicated (G; older notation c.1261dupG).
Protein change: p.Ala421fs; shifts the reading frame from alanine 421.
Molecular consequence: frameshift variant.
Genome position (GRCh38, 1-based): chr1:11,964,233, G duplicated; the last of 6 consecutive G bases (chr1:11,964,228-11,964,233); duplicating any one gives the same sequence. VCF-style (leftmost placement, unchanged base first): chr1-11964227-T-TG. GRCh37 (hg19) VCF-style: chr1-12024284-T-TG.
Other names: c.1402dup, p.Ala468fs (NM_001316320.2); c.1261dup (NM_000302.3); c.1261dupG (NM_000302.4); short protein forms A421fs, A468fs.
Identifiers: ClinVar variation 2413497 (VCV002413497.12), dbSNP rs1362343873, ClinGen allele CA416107446.

ClinVar aggregate classification (germline): Pathogenic/Likely pathogenic. Review status: criteria provided, multiple submitters, no conflicts (2 of 4 stars). 5 submissions from 5 submitters: Pathogenic (3); Likely pathogenic (2). Last evaluated 2025-11-11.

Conditions:
Ehlers-Danlos syndrome, kyphoscoliotic type 1 (EDSKSCL1). Also called: EHLERS-DANLOS SYNDROME, TYPE VIA; EHLERS-DANLOS SYNDROME, OCULAR-SCOLIOTIC TYPE; PLOD1-Related Kyphoscoliotic Ehlers-Danlos Syndrome; Ehlers-Danlos syndrome, hydroxylysine-deficient. Identifiers: Orphanet 1900, MedGen C0268342, MONDO:0016002, OMIM 225400. Disease mechanism: loss of function.
PLOD1-related disorder. Also called: PLOD1-related condition.

Submissions (5):

Women's Health and Genetics/Laboratory Corporation of America, LabCorp
Classification: Pathogenic for Ehlers-Danlos syndrome, kyphoscoliotic type 1. Last evaluated: 2025-11-11. Review status: criteria provided, single submitter. Criteria: LabCorp Variant Classification Summary - May 2015. Collection method: clinical testing. Allele origin: germline.
Comment: Variant summary: PLOD1 c.1261dupG (p.Ala421GlyfsX45) results in a premature termination codon, predicted to cause absence of the protein due to nonsense mediated decay, which is a commonly known mechanism for disease. The variant allele was found at a frequency of 4e-06 in 251374 control chromosomes. To our knowledge, no occurrence of c.1261dupG in individuals affected with PLOD1-related conditions and no experimental evidence demonstrating its impact on protein function have been reported. ClinVar contains an entry for this variant (Variation ID: 2413497). Based on the evidence outlined above, the variant was classified as pathogenic.

Labcorp Genetics (formerly Invitae), Labcorp
Classification: Pathogenic for Ehlers-Danlos syndrome, kyphoscoliotic type 1. Last evaluated: 2025-05-05. Review status: criteria provided, single submitter. Criteria: Invitae Variant Classification Sherloc (09022015). Collection method: clinical testing. Allele origin: germline.
Comment: This sequence change creates a premature translational stop signal (p.Ala421Glyfs*45) in the PLOD1 gene. It is expected to result in an absent or disrupted protein product. Loss-of-function variants in PLOD1 are known to be pathogenic (PMID: 10874315, 21699693). The frequency data for this variant in the population databases is considered unreliable, as metrics indicate poor data quality at this position in the gnomAD database. This variant has not been reported in the literature in individuals affected with PLOD1-related conditions. ClinVar contains an entry for this variant (Variation ID: 2413497). For these reasons, this variant has been classified as Pathogenic.

GeneDx
Classification: Pathogenic. Last evaluated: 2024-07-25. Review status: criteria provided, single submitter. Criteria: GeneDx Variant Classification Process June 2021. Collection method: clinical testing. Allele origin: germline. Affected: yes.
Comment: Frameshift variant predicted to result in protein truncation or nonsense mediated decay in a gene for which loss of function is a known mechanism of disease; Not observed at significant frequency in large population cohorts (gnomAD); Has not been previously published as pathogenic or benign to our knowledge

Fulgent Genetics
Classification: Likely pathogenic for Ehlers-Danlos syndrome, kyphoscoliotic type 1. Last evaluated: 2024-05-18. Review status: criteria provided, single submitter. Criteria: ACMG Guidelines, 2015. Collection method: clinical testing. Allele origin: germline.

Blueprint Genetics
Classification: Likely pathogenic for PLOD1-related disorders. Last evaluated: 2021-12-27. Review status: criteria provided, single submitter. Criteria: ACMG Guidelines, 2015. Collection method: clinical testing. Allele origin: germline. Affected: yes. Observed: 2 variant alleles.

Literature cited by the submitters: PubMed 10874315 (cited by Labcorp Genetics (formerly Invitae), Labcorp); PubMed 21699693 (cited by Labcorp Genetics (formerly Invitae), Labcorp).